The following is an entry in ClinVar:

NM_000321.3(RB1):c.1454C>G (p.Ser485Cys)

Gene: RB1 (RB transcriptional corepressor 1; plus strand). Cytogenetic location: 13q14.2.
Variant type: single nucleotide variant.
Coding change: c.1454C>G on transcript NM_000321.3 (MANE Select); coding-DNA position 1454, C replaced by G.
Protein change: p.Ser485Cys; replaces serine 485 with cysteine.
Molecular consequence: missense variant.
Genome position (GRCh38, 1-based): chr13:48,380,197, C>G. VCF-style: chr13-48380197-C-G. GRCh37 (hg19) VCF-style: chr13-48954333-C-G.
Other names: short protein forms S485C.
Identifiers: ClinVar variation 644931 (VCV000644931.10), dbSNP rs1431881254, ClinGen allele CA388162835.

ClinVar aggregate classification (germline): Uncertain significance. Review status: criteria provided, multiple submitters, no conflicts (2 of 4 stars). 3 submissions from 3 submitters: Uncertain significance (3). Last evaluated 2025-07-10.

Conditions:
Retinoblastoma (RB1). Also called: RETINOBLASTOMA, SOMATIC. Identifiers: Orphanet 790, MedGen C0035335, MeSH D012175, MONDO:0008380, OMIM 180200, HP:0009919. Disease mechanism: loss of function. Inheritance: Both sporadic and heritable forms are tested..

Allele frequency attached by ClinVar (database versions not stated): gnomAD exomes below 0.00001.
gnomAD v4.1: 1 of 1,587,240 alleles (0.000063%); highest among the groups gnomAD compares: Non-Finnish European, 0.000086%; no homozygotes.

Submissions (3):

Color Diagnostics, LLC DBA Color Health
Classification: Uncertain significance for Retinoblastoma. Last evaluated: 2025-07-10. Review status: criteria provided, single submitter. Criteria: ACMG Guidelines, 2015. Collection method: clinical testing. Allele origin: germline.
Comment: This missense variant replaces serine with cysteine at codon 485 of the RB1 protein. Computational prediction is inconclusive regarding the impact of this variant on protein structure and function. To our knowledge, functional studies have not been reported for this variant. This variant has not been reported in individuals affected with RB1-related disorders in the literature. This variant has been identified in 1/242456 chromosomes in the general population by the Genome Aggregation Database (gnomAD). The available evidence is insufficient to determine the role of this variant in disease conclusively. Therefore, this variant is classified as a Variant of Uncertain Significance.

GeneDx
Classification: Uncertain significance. Last evaluated: 2024-10-06. Review status: criteria provided, single submitter. Criteria: GeneDx Variant Classification Process June 2021. Collection method: clinical testing. Allele origin: germline. Affected: yes.
Comment: Not observed at significant frequency in large population cohorts (gnomAD); In silico analysis indicates that this missense variant does not alter protein structure/function; Has not been previously published as pathogenic or benign to our knowledge; This variant is associated with the following publications: (PMID: 23516486, Day alan_2006_Review)

Labcorp Genetics (formerly Invitae), Labcorp
Classification: Uncertain significance for Retinoblastoma. Last evaluated: 2024-07-08. Review status: criteria provided, single submitter. Criteria: Invitae Variant Classification Sherloc (09022015). Collection method: clinical testing. Allele origin: germline.
Comment: This sequence change replaces serine, which is neutral and polar, with cysteine, which is neutral and slightly polar, at codon 485 of the RB1 protein (p.Ser485Cys). The frequency data for this variant in the population databases is considered unreliable, as metrics indicate poor data quality at this position in the gnomAD database. This variant has not been reported in the literature in individuals affected with RB1-related conditions. ClinVar contains an entry for this variant (Variation ID: 644931). Advanced modeling of protein sequence and biophysical properties (such as structural, functional, and spatial information, amino acid conservation, physicochemical variation, residue mobility, and thermodynamic stability) performed at Invitae indicates that this missense variant is not expected to disrupt RB1 protein function with a negative predictive value of 80%. In summary, the available evidence is currently insufficient to determine the role of this variant in disease. Therefore, it has been classified as a Variant of Uncertain Significance.